The following is an entry in ClinVar:

NM_018129.4(PNPO):c.83G>T (p.Arg28Leu)

Gene: PNPO (pyridoxamine 5'-phosphate oxidase; plus strand). Cytogenetic location: 17q21.32.
Variant type: single nucleotide variant.
Coding change: c.83G>T on transcript NM_018129.4 (MANE Select); coding-DNA position 83, G replaced by T.
Protein change: p.Arg28Leu; replaces arginine 28 with leucine.
Molecular consequence: missense variant.
Genome position (GRCh38, 1-based): chr17:47,941,758, G>T. VCF-style: chr17-47941758-G-T. GRCh37 (hg19) VCF-style: chr17-46019124-G-T.
Other names: short protein forms R28L.
Identifiers: ClinVar variation 2084841 (VCV002084841.1), dbSNP rs866973135, ClinGen allele CA400054961.

ClinVar aggregate classification (germline): Uncertain significance (1 of 4 stars; one submission).

Conditions:
Pyridoxal phosphate-responsive seizures (PNPOD). Also called: EPILEPTIC ENCEPHALOPATHY, NEONATAL, PNPO-RELATED; SEIZURES, PYRIDOXINE-RESISTANT, PLP-SENSITIVE; Pyridoxamine 5-Prime-Phosphate Oxidase Deficiency; Pyridoxine-5'-phosphate oxidase deficiency; Pyridoxal 5'-Phosphate (PLP)-Dependent Epilepsy. Identifiers: Orphanet 79096, MedGen C1864723, MONDO:0012407, OMIM 610090. Disease mechanism: loss of function.

gnomAD v4.1: 2 of 1,562,002 alleles (0.00013%); no homozygotes.

Submission:

Labcorp Genetics (formerly Invitae), Labcorp
Classification: Uncertain significance for Pyridoxal phosphate-responsive seizures. Last evaluated: 2022-03-19. Review status: criteria provided, single submitter. Criteria: Invitae Variant Classification Sherloc (09022015). Collection method: clinical testing. Allele origin: germline.
Comment: This sequence change replaces arginine, which is basic and polar, with leucine, which is neutral and non-polar, at codon 28 of the PNPO protein (p.Arg28Leu). The frequency data for this variant in the population databases is considered unreliable, as metrics indicate poor data quality at this position in the gnomAD database. This variant has not been reported in the literature in individuals affected with PNPO-related conditions. Algorithms developed to predict the effect of missense changes on protein structure and function (SIFT, PolyPhen-2, Align-GVGD) all suggest that this variant is likely to be tolerated. In summary, the available evidence is currently insufficient to determine the role of this variant in disease. Therefore, it has been classified as a Variant of Uncertain Significance.